The following is an entry in ClinVar:

ClinVar aggregate classification (germline): Uncertain significance (1 of 4 stars; one submission).

gnomAD v4.1: 1 of 1,614,246 alleles (0.000062%); highest among the groups gnomAD compares: Non-Finnish European, 0.000085%; no homozygotes.

Submission:

Labcorp Genetics (formerly Invitae), Labcorp
Classification: Uncertain significance. Last evaluated: 2024-06-12. Review status: criteria provided, single submitter. Criteria: Invitae Variant Classification Sherloc (09022015). Collection method: clinical testing. Allele origin: germline.
Comment: This sequence change replaces leucine, which is neutral and non-polar, with valine, which is neutral and non-polar, at codon 1871 of the SNRNP200 protein (p.Leu1871Val). This variant is not present in population databases (gnomAD no frequency). This variant has not been reported in the literature in individuals affected with SNRNP200-related conditions. An algorithm developed to predict the effect of missense changes on protein structure and function (PolyPhen-2) suggests that this variant is likely to be disruptive. In summary, the available evidence is currently insufficient to determine the role of this variant in disease. Therefore, it has been classified as a Variant of Uncertain Significance.

NM_014014.5(SNRNP200):c.5611T>G (p.Leu1871Val)

Gene: SNRNP200 (small nuclear ribonucleoprotein U5 subunit 200; minus strand). Cytogenetic location: 2q11.2.
Variant type: single nucleotide variant.
Coding change: c.5611T>G on transcript NM_014014.5 (MANE Select); coding-DNA position 5611, T replaced by G.
Protein change: p.Leu1871Val; replaces leucine 1871 with valine.
Molecular consequence: missense variant.
Genome position (GRCh38, 1-based): chr2:96,277,950, A>C on the plus strand (T>G on the coding strand, the complement: SNRNP200 is on the minus strand). VCF-style: chr2-96277950-A-C. GRCh37 (hg19) VCF-style: chr2-96943688-A-C.
Other names: short protein forms L1871V.
Identifiers: ClinVar variation 3685080 (VCV003685080.2).